The following is an entry in ClinVar:

NM_000245.4(MET):c.1907T>A (p.Met636Lys)

Gene: MET (MET proto-oncogene, receptor tyrosine kinase; plus strand). Cytogenetic location: 7q31.2.
Variant type: single nucleotide variant.
Coding change: c.1907T>A on transcript NM_000245.4 (MANE Select); coding-DNA position 1907, T replaced by A.
Protein change: p.Met636Lys; replaces methionine 636 with lysine.
Molecular consequence: missense variant.
Genome position (GRCh38, 1-based): chr7:116,757,481, T>A. VCF-style: chr7-116757481-T-A. GRCh37 (hg19) VCF-style: chr7-116397535-T-A.
Other names: c.1907T>A, p.Met636Lys (NM_001127500.3, NM_001324401.3); c.617T>A, p.Met206Lys (NM_001324402.2); short protein forms M636K, M206K.
Identifiers: ClinVar variation 1514266 (VCV001514266.10), dbSNP rs775011117, ClinGen allele CA4448324.

ClinVar aggregate classification (germline): Uncertain significance. Review status: criteria provided, multiple submitters, no conflicts (2 of 4 stars). 3 submissions from 3 submitters: Uncertain significance (3). Last evaluated 2025-07-02.

Conditions:
Hereditary cancer-predisposing syndrome. Also called: Tumor predisposition; Neoplastic Syndromes, Hereditary; Hereditary neoplastic syndrome; Hereditary Cancer Syndrome. Identifiers: Orphanet 140162, MedGen C0027672, MeSH D009386, MONDO:0015356.
Renal cell carcinoma. Identifiers: Orphanet 217071, MedGen C0007134, MeSH D002292, MONDO:0005086, HP:0005584.

Allele frequency attached by ClinVar (database versions not stated): gnomAD 0.00001; gnomAD exomes 0.00001; TOPMed 0.00001; ExAC 0.00002.
gnomAD v4.1: 12 of 1,613,724 alleles (0.00074%); highest among the groups gnomAD compares: Non-Finnish European, 0.001%; no homozygotes.

Submissions (3):

Labcorp Genetics (formerly Invitae), Labcorp
Classification: Uncertain significance for Renal cell carcinoma. Last evaluated: 2025-07-02. Review status: criteria provided, single submitter. Criteria: Invitae Variant Classification Sherloc (09022015). Collection method: clinical testing. Allele origin: germline.
Comment: This sequence change replaces methionine, which is neutral and non-polar, with lysine, which is basic and polar, at codon 636 of the MET protein (p.Met636Lys). This variant is present in population databases (rs775011117, gnomAD 0.003%). This variant has not been reported in the literature in individuals affected with MET-related conditions. ClinVar contains an entry for this variant (Variation ID: 1514266). Invitae Evidence Modeling of protein sequence and biophysical properties (such as structural, functional, and spatial information, amino acid conservation, physicochemical variation, residue mobility, and thermodynamic stability) indicates that this missense variant is not expected to disrupt MET protein function with a negative predictive value of 80%. In summary, the available evidence is currently insufficient to determine the role of this variant in disease. Therefore, it has been classified as a Variant of Uncertain Significance.

Ambry Genetics
Classification: Uncertain significance for Hereditary cancer-predisposing syndrome. Last evaluated: 2024-04-29. Review status: criteria provided, single submitter. Criteria: Ambry Variant Classification Scheme 2023. Collection method: clinical testing. Allele origin: germline.
Comment: The p.M636K variant (also known as c.1907T>A), located in coding exon 6 of the MET gene, results from a T to A substitution at nucleotide position 1907. The methionine at codon 636 is replaced by lysine, an amino acid with similar properties. This amino acid position is conserved. In addition, this alteration is predicted to be tolerated by in silico analysis. Since supporting evidence is limited at this time, the clinical significance of this alteration remains unclear.

GeneDx
Classification: Uncertain significance. Last evaluated: 2024-02-16. Review status: criteria provided, single submitter. Criteria: GeneDx Variant Classification Process June 2021. Collection method: clinical testing. Allele origin: germline. Affected: yes.
Comment: Not observed at significant frequency in large population cohorts (gnomAD); In silico analysis supports that this missense variant has a deleterious effect on protein structure/function; Has not been previously published as pathogenic or benign to our knowledge